The following is an entry in ClinVar:

ClinVar aggregate classification (germline): Pathogenic (1 of 4 stars; one submission).

Conditions:
Combined immunodeficiency due to LRBA deficiency. Also called: Common variable immunodeficiency 8, with autoimmunity. Identifiers: Orphanet 445018, MedGen C3553512, MONDO:0013863, OMIM 614700.

Submission:

Labcorp Genetics (formerly Invitae), Labcorp
Classification: Pathogenic for Combined immunodeficiency due to LRBA deficiency. Last evaluated: 2022-04-19. Review status: criteria provided, single submitter. Criteria: Invitae Variant Classification Sherloc (09022015). Collection method: clinical testing. Allele origin: germline.
Comment: For these reasons, this variant has been classified as Pathogenic. This variant has not been reported in the literature in individuals affected with LRBA-related conditions. This variant is not present in population databases (gnomAD no frequency). This sequence change creates a premature translational stop signal (p.Leu1154Tyrfs*28) in the LRBA gene. It is expected to result in an absent or disrupted protein product. Loss-of-function variants in LRBA are known to be pathogenic (PMID: 26206937, 26768763).

Literature cited by the submitters: PubMed 26206937; PubMed 26768763.

NM_001364905.1(LRBA):c.3461_3464del (p.Leu1154fs)

Gene: LRBA (LPS responsive beige-like anchor protein; minus strand). Cytogenetic location: 4q31.3.
Variant type: Deletion.
Coding change: c.3461_3464del on transcript NM_001364905.1 (MANE Select); coding-DNA positions 3461 to 3464, 4 bases deleted (TAAT; older notation c.3461_3464delTAAT).
Protein change: p.Leu1154fs; shifts the reading frame from leucine 1154.
Molecular consequence: frameshift variant.
Genome position (GRCh38, 1-based): chr4:150,852,246-150,852,249, ATTA deleted on the plus strand (TAAT on the coding strand, the reverse complement: LRBA is on the minus strand); deleting any 4 consecutive bases within chr4:150,852,246-150,852,252 gives the same sequence; the c. name uses the placement nearest the transcript's 3' end. VCF-style (leftmost placement, unchanged base first): chr4-150852245-TATTA-T. GRCh37 (hg19) VCF-style: chr4-151773397-TATTA-T.
Other names: c.3458_3461delAATT, p.Leu1154Tyrfs (NM_001199282.3, NM_006726.5); c.3461_3464del, p.Leu1154fs (NM_001367550.1); short protein forms L1154fs.
Identifiers: ClinVar variation 2128174 (VCV002128174.4), dbSNP rs2546499925, ClinGen allele CA2580071603.